The following is an entry in ClinVar:

ClinVar aggregate classification (germline): Likely benign (0 of 4 stars; one submission).

Conditions:
SPTB-related disorder. Also called: SPTB-related condition; SPTB-Related Disorders.

gnomAD v4.1: 72 of 1,613,976 alleles (0.0045%); highest among the groups gnomAD compares: South Asian, 0.024%; no homozygotes.

Submission:

PreventionGenetics, part of Exact Sciences
Classification: Likely benign for SPTB-related condition. Last evaluated: 2019-10-24. Review status: no assertion criteria provided. Collection method: clinical testing. Allele origin: germline.
Comment: This variant is classified as likely benign based on ACMG/AMP sequence variant interpretation guidelines (Richards et al. 2015 PMID: 25741868, with internal and published modifications).

NM_001355436.2(SPTB):c.5364G>A (p.Thr1788=)

Gene: SPTB (spectrin beta, erythrocytic; minus strand). Cytogenetic location: 14q23.3.
Variant type: single nucleotide variant.
Coding change: c.5364G>A on transcript NM_001355436.2 (MANE Select); coding-DNA position 5364, G replaced by A.
Protein change: p.Thr1788=; no amino-acid change (threonine 1788 retained).
Molecular consequence: synonymous variant.
Genome position (GRCh38, 1-based): chr14:64,772,769, C>T on the plus strand (G>A on the coding strand, the complement: SPTB is on the minus strand). VCF-style: chr14-64772769-C-T. GRCh37 (hg19) VCF-style: chr14-65239487-C-T.
Other names: c.5364G>A, p.Thr1788= (NM_001024858.4, NM_001355437.2).
Identifiers: ClinVar variation 3353266 (VCV003353266.1).